The following is an entry in ClinVar:

NM_003000.3(SDHB):c.347G>C (p.Arg116Thr)

Gene: SDHB (succinate dehydrogenase complex iron sulfur subunit B; minus strand). Cytogenetic location: 1p36.13.
Variant type: single nucleotide variant.
Coding change: c.347G>C on transcript NM_003000.3 (MANE Select); coding-DNA position 347, G replaced by C.
Protein change: p.Arg116Thr; replaces arginine 116 with threonine.
Molecular consequence: missense variant.
Genome position (GRCh38, 1-based): chr1:17,028,676, C>G on the plus strand (G>C on the coding strand, the complement: SDHB is on the minus strand). VCF-style: chr1-17028676-C-G. GRCh37 (hg19) VCF-style: chr1-17355171-C-G.
Other names: c.347G>C, p.Arg116Thr (NM_001407361.1); short protein forms R116T.
Identifiers: ClinVar variation 2625098 (VCV002625098.5), dbSNP rs777234785, ClinGen allele CA089593.

ClinVar aggregate classification (germline): Uncertain significance. Review status: criteria provided, multiple submitters, no conflicts (2 of 4 stars). 2 submissions from 2 submitters: Uncertain significance (2). Last evaluated 2025-10-01.

Conditions:
Hereditary cancer-predisposing syndrome. Also called: Neoplastic Syndromes, Hereditary; Hereditary neoplastic syndrome; Tumor predisposition; Hereditary Cancer Syndrome. Identifiers: Orphanet 140162, MedGen C0027672, MeSH D009386, MONDO:0015356.
Pheochromocytoma. Also called: MAX-Related Hereditary Paraganglioma-Pheochromocytoma Syndrome. Identifiers: Orphanet 29072, MedGen C0031511, MONDO:0008233, OMIM 171300, HP:0002666.
Gastrointestinal stromal tumor. Also called: Gastrointestinal stromal tumor, somatic; Gastrointestinal stroma tumor. Identifiers: Orphanet 44890, MedGen C0238198, MeSH D046152, MONDO:0011719, OMIM 606764, HP:0100723.
Pheochromocytoma/paraganglioma syndrome 4. Also called: CAROTID BODY TUMORS AND MULTIPLE EXTRAADRENAL PHEOCHROMOCYTOMAS; PARAGANGLIOMA, FAMILIAL MALIGNANT; PARAGANGLIOMAS, HEREDITARY EXTRAADRENAL; PHEOCHROMOCYTOMA, FAMILIAL EXTRAADRENAL; Paragangliomas 4; SDHB-Related Hereditary Paraganglioma-Pheochromocytoma Syndrome (Paragangliomas 4). Identifiers: Orphanet 29072, MedGen C1861848, MONDO:0007273, OMIM 115310.

Allele frequency attached by ClinVar (database versions not stated): gnomAD exomes below 0.00001; TOPMed below 0.00001; ExAC 0.00001.
gnomAD v4.1: 1 of 1,614,162 alleles (0.000062%); highest among the groups gnomAD compares: Admixed American, 0.0017%; no homozygotes.

Submissions (2):

Ambry Genetics
Classification: Uncertain significance for Hereditary cancer-predisposing syndrome. Last evaluated: 2025-10-01. Review status: criteria provided, single submitter. Criteria: Ambry Variant Classification Scheme 2023. Collection method: clinical testing. Allele origin: germline.
Comment: The p.R116T variant (also known as c.347G>C), located in coding exon 4 of the SDHB gene, results from a G to C substitution at nucleotide position 347. The arginine at codon 116 is replaced by threonine, an amino acid with similar properties. This amino acid position is conserved. In addition, this alteration is predicted to be deleterious by in silico analysis. Based on the available evidence, the clinical significance of this variant remains unclear.

Labcorp Genetics (formerly Invitae), Labcorp
Classification: Uncertain significance for Gastrointestinal stromal tumor; Pheochromocytoma/paraganglioma syndrome 4; Pheochromocytoma. Last evaluated: 2025-07-30. Review status: criteria provided, single submitter. Criteria: Invitae Variant Classification Sherloc (09022015). Collection method: clinical testing. Allele origin: germline.
Comment: This sequence change replaces arginine, which is basic and polar, with threonine, which is neutral and polar, at codon 116 of the SDHB protein (p.Arg116Thr). This variant is present in population databases (rs777234785, gnomAD 0.003%). This variant has not been reported in the literature in individuals affected with SDHB-related conditions. ClinVar contains an entry for this variant (Variation ID: 2625098). Invitae Evidence Modeling of protein sequence and biophysical properties (such as structural, functional, and spatial information, amino acid conservation, physicochemical variation, residue mobility, and thermodynamic stability) indicates that this missense variant is not expected to disrupt SDHB protein function with a negative predictive value of 80%. In summary, the available evidence is currently insufficient to determine the role of this variant in disease. Therefore, it has been classified as a Variant of Uncertain Significance.